The following is an entry in ClinVar:

NM_000263.4(NAGLU):c.423_424delinsC (p.Phe142fs)

Gene: NAGLU (N-acetyl-alpha-glucosaminidase; plus strand). Cytogenetic location: 17q21.2.
Variant type: Indel.
Coding change: c.423_424delinsC on transcript NM_000263.4 (MANE Select); coding-DNA positions 423 to 424, TT replaced by C.
Protein change: p.Phe142fs; shifts the reading frame from phenylalanine 142.
Molecular consequence: frameshift variant.
Genome position (GRCh38, 1-based): chr17:42,537,437-42,537,438, TT replaced by C. VCF-style: chr17-42537437-TT-C. GRCh37 (hg19) VCF-style: chr17-40689455-TT-C.
Other names: short protein forms F142fs.
Identifiers: ClinVar variation 4688839 (VCV004688839.1).

ClinVar aggregate classification (germline): Pathogenic (1 of 4 stars; one submission).

Conditions:
Mucopolysaccharidosis, MPS-III-B (MPS3B). Also called: N-ACETYL-ALPHA-D-GLUCOSAMINIDASE DEFICIENCY; NAGLU DEFICIENCY; SANFILIPPO SYNDROME B; MPS III B; MUCOPOLYSACCHARIDOSIS, TYPE IIIB; Mucopolysaccharidosis type IIIB (Sanfilippo B). Identifiers: Orphanet 79270, MedGen C0086648, MONDO:0009656, OMIM 252920.

Submission:

Women's Health and Genetics/Laboratory Corporation of America, LabCorp
Classification: Pathogenic for Mucopolysaccharidosis, MPS-III-B. Last evaluated: 2025-12-24. Review status: criteria provided, single submitter. Criteria: LabCorp Variant Classification Summary - May 2015. Collection method: clinical testing. Allele origin: germline.
Comment: Variant summary: NAGLU c.423_424delinsC (p.Phe142SerfsX13) results in a premature termination codon, predicted to cause a truncation of the encoded protein or absence of the protein due to nonsense mediated decay, which are commonly known mechanisms for disease. The variant was absent in 31374 control chromosomes. To our knowledge, no occurrence of c.423_424delinsC in individuals affected with NAGLU-related conditions and no experimental evidence demonstrating its impact on protein function have been reported. No submitters have cited clinical-significance assessments for this variant to ClinVar. Based on the evidence outlined above, the variant was classified as pathogenic.